The following is an entry in ClinVar:

ClinVar aggregate classification (germline): Uncertain significance (1 of 4 stars; one submission).

Conditions:
Tumor predisposition syndrome 3 (TPDS3). Also called: Glioma susceptibility 9; LONG TELOMERE SYNDROME, POT1-RELATED; POT1 Tumor Predisposition; Melanoma, cutaneous malignant, susceptibility to, 10. Identifiers: Orphanet 618, MedGen C4014476, MONDO:0014368, OMIM 615848.

Submission:

Labcorp Genetics (formerly Invitae), Labcorp
Classification: Uncertain significance for Tumor predisposition syndrome 3. Last evaluated: 2024-05-08. Review status: criteria provided, single submitter. Criteria: Invitae Variant Classification Sherloc (09022015). Collection method: clinical testing. Allele origin: germline.
Comment: This sequence change replaces aspartic acid, which is acidic and polar, with tyrosine, which is neutral and polar, at codon 77 of the POT1 protein (p.Asp77Tyr). This variant is not present in population databases (gnomAD no frequency). This variant has not been reported in the literature in individuals affected with POT1-related conditions. ClinVar contains an entry for this variant (Variation ID: 1025796). Advanced modeling of protein sequence and biophysical properties (such as structural, functional, and spatial information, amino acid conservation, physicochemical variation, residue mobility, and thermodynamic stability) performed at Invitae indicates that this missense variant is not expected to disrupt POT1 protein function with a negative predictive value of 80%. In summary, the available evidence is currently insufficient to determine the role of this variant in disease. Therefore, it has been classified as a Variant of Uncertain Significance.

NM_015450.3(POT1):c.229G>T (p.Asp77Tyr)

Gene: POT1 (protection of telomeres 1; minus strand). Cytogenetic location: 7q31.33.
Variant type: single nucleotide variant.
Coding change: c.229G>T on transcript NM_015450.3 (MANE Select); coding-DNA position 229, G replaced by T.
Protein change: p.Asp77Tyr; replaces aspartic acid 77 with tyrosine.
Molecular consequence: missense variant. On other transcripts: non-coding transcript variant (3), intron variant (1).
Genome position (GRCh38, 1-based): chr7:124,870,937, C>A on the plus strand (G>T on the coding strand, the complement: POT1 is on the minus strand). VCF-style: chr7-124870937-C-A. GRCh37 (hg19) VCF-style: chr7-124510991-C-A.
Other names: c.-138-7297G>T (NM_001042594.2); short protein forms D77Y.
Identifiers: ClinVar variation 1025796 (VCV001025796.9), dbSNP rs1795852296, ClinGen allele CA369061361.